The following is an entry in ClinVar:

ClinVar aggregate classification (germline): Uncertain significance (1 of 4 stars; one submission).

Submission:

Labcorp Genetics (formerly Invitae), Labcorp
Classification: Uncertain significance. Last evaluated: 2023-03-03. Review status: criteria provided, single submitter. Criteria: Invitae Variant Classification Sherloc (09022015). Collection method: clinical testing. Allele origin: germline.
Comment: This sequence change replaces tyrosine, which is neutral and polar, with histidine, which is basic and polar, at codon 575 of the AUTS2 protein (p.Tyr575His). This variant is not present in population databases (gnomAD no frequency). This variant has not been reported in the literature in individuals affected with AUTS2-related conditions. Advanced modeling of protein sequence and biophysical properties (such as structural, functional, and spatial information, amino acid conservation, physicochemical variation, residue mobility, and thermodynamic stability) performed at Invitae indicates that this missense variant is not expected to disrupt AUTS2 protein function. In summary, the available evidence is currently insufficient to determine the role of this variant in disease. Therefore, it has been classified as a Variant of Uncertain Significance.

NM_015570.4(AUTS2):c.1723T>C (p.Tyr575His)

Gene: AUTS2 (activator of transcription and developmental regulator AUTS2; plus strand). Cytogenetic location: 7q11.22.
Variant type: single nucleotide variant.
Coding change: c.1723T>C on transcript NM_015570.4 (MANE Select); coding-DNA position 1723, T replaced by C.
Protein change: p.Tyr575His; replaces tyrosine 575 with histidine.
Molecular consequence: missense variant.
Genome position (GRCh38, 1-based): chr7:70,768,057, T>C. VCF-style: chr7-70768057-T-C. GRCh37 (hg19) VCF-style: chr7-70233043-T-C.
Other names: c.1723T>C, p.Tyr575His (NM_001127231.3); short protein forms Y575H.
Identifiers: ClinVar variation 2841873 (VCV002841873.3), dbSNP rs2484701153, ClinGen allele CA367669219.